The following is an entry in ClinVar:

ClinVar aggregate classification (germline): Benign/Likely benign. Review status: criteria provided, multiple submitters, no conflicts (2 of 4 stars). 4 submissions from 4 submitters: Benign (1); Likely benign (3). Last evaluated 2024-10-31.

Conditions:
Multiple endocrine neoplasia, type 1 (MEN1). Also called: MEN I; WERMER SYNDROME; Endocrine adenomatosis multiple; MEN 1; MEA I. Identifiers: Orphanet 652, MedGen C0025267, MeSH D018761, MONDO:0007540, OMIM 131100.
Hereditary cancer-predisposing syndrome. Also called: Neoplastic Syndromes, Hereditary; Tumor predisposition; Hereditary neoplastic syndrome; Hereditary Cancer Syndrome. Identifiers: Orphanet 140162, MedGen C0027672, MeSH D009386, MONDO:0015356.

Allele frequency attached by ClinVar (database versions not stated): gnomAD exomes below 0.00001.

Submissions (4):

Myriad Genetics, Inc.
Classification: Benign for Multiple endocrine neoplasia, type 1. Last evaluated: 2024-10-31. Review status: criteria provided, single submitter. Criteria: Myriad Autosomal Dominant, Autosomal Recessive and X-Linked Classification Criteria (2023). Collection method: clinical testing. Allele origin: unknown.
Comment: This variant is considered benign. This variant is a silent/synonymous amino acid change and it is not expected to impact splicing.

Labcorp Genetics (formerly Invitae), Labcorp
Classification: Likely benign for Multiple endocrine neoplasia, type 1. Last evaluated: 2024-10-15. Review status: criteria provided, single submitter. Criteria: Invitae Variant Classification Sherloc (09022015). Collection method: clinical testing. Allele origin: germline.

All of Us Research Program, National Institutes of Health
Classification: Likely benign for Multiple endocrine neoplasia, type 1. Last evaluated: 2023-05-04. Review status: criteria provided, single submitter. Criteria: ACMG Guidelines, 2015. Collection method: clinical testing. Allele origin: germline. Inheritance: Autosomal dominant inheritance. Observed: 1 variant allele, 1 heterozygote.
Comment: This study involves interpretation of variants in research participants for the purpose of population health screening. Participant phenotype was not available at the time of variant classification. Additional details can be found in publication PMID: 35346344, PMCID: PMC8962531

Ambry Genetics
Classification: Likely benign for Hereditary cancer-predisposing syndrome. Last evaluated: 2023-02-21. Review status: criteria provided, single submitter. Criteria: Ambry Variant Classification Scheme 2023. Collection method: clinical testing. Allele origin: germline.

NM_001370259.2(MEN1):c.87A>C (p.Arg29=)

Gene: MEN1 (menin 1; minus strand). Cytogenetic location: 11q13.1.
Variant type: single nucleotide variant.
Coding change: c.87A>C on transcript NM_001370259.2 (MANE Select); coding-DNA position 87, A replaced by C.
Protein change: p.Arg29=; no amino-acid change (arginine 29 retained).
Molecular consequence: synonymous variant.
Genome position (GRCh38, 1-based): chr11:64,810,023, T>G on the plus strand (A>C on the coding strand, the complement: MEN1 is on the minus strand). VCF-style: chr11-64810023-T-G. GRCh37 (hg19) VCF-style: chr11-64577495-T-G.
Other names: c.87A>C, p.Arg29= (NM_130802.3, NM_130803.3, NM_130804.3 and 9 more transcripts).
Identifiers: ClinVar variation 527300 (VCV000527300.12), dbSNP rs1198070818, ClinGen allele CA475163090.